The following is an entry in ClinVar:

ClinVar aggregate classification (germline): Pathogenic (1 of 4 stars; one submission).

Submission:

Labcorp Genetics (formerly Invitae), Labcorp
Classification: Pathogenic. Last evaluated: 2024-11-09. Review status: criteria provided, single submitter. Criteria: Invitae Variant Classification Sherloc (09022015). Collection method: clinical testing. Allele origin: germline.
Comment: This sequence change creates a premature translational stop signal (p.Val1469Alafs*3) in the CACNA1B gene. It is expected to result in an absent or disrupted protein product. Loss-of-function variants in CACNA1B are known to be pathogenic (PMID: 30982612). This variant is not present in population databases (gnomAD no frequency). This variant has not been reported in the literature in individuals affected with CACNA1B-related conditions. For these reasons, this variant has been classified as Pathogenic.

Literature cited by the submitters: PubMed 30982612.

NM_000718.4(CACNA1B):c.4406_4413del (p.Val1469fs)

Gene: CACNA1B (calcium voltage-gated channel subunit alpha1 B; plus strand). Cytogenetic location: 9q34.3.
Variant type: Deletion.
Coding change: c.4406_4413del on transcript NM_000718.4 (MANE Select); coding-DNA positions 4406 to 4413, 8 bases deleted (TCTCCCCG; older notation c.4406_4413delTCTCCCCG).
Protein change: p.Val1469fs; shifts the reading frame from valine 1469.
Molecular consequence: frameshift variant.
Genome position (GRCh38, 1-based): chr9:138,058,666-138,058,673, TCTCCCCG deleted; deleting any 8 consecutive bases within chr9:138,058,665-138,058,673 gives the same sequence; the c. name uses the placement nearest the transcript's 3' end. VCF-style (leftmost placement, unchanged base first): chr9-138058664-GGTCTCCCC-G. GRCh37 (hg19) VCF-style: chr9-140953116-GGTCTCCCC-G.
Other names: c.4406_4413del, p.Val1469fs (NM_001243812.2); short protein forms V1469fs.
Identifiers: ClinVar variation 3724882 (VCV003724882.2).